The following is an entry in ClinVar:

ClinVar aggregate classification (germline): Uncertain significance (1 of 4 stars; one submission).

Allele frequency attached by ClinVar (database versions not stated): gnomAD exomes below 0.00001 and 0.00001.
gnomAD v4.1: 3 of 1,612,324 alleles (0.00019%); highest among the groups gnomAD compares: Admixed American, 0.005%; no homozygotes.

Submission:

Labcorp Genetics (formerly Invitae), Labcorp
Classification: Uncertain significance. Last evaluated: 2022-06-27. Review status: criteria provided, single submitter. Criteria: Invitae Variant Classification Sherloc (09022015). Collection method: clinical testing. Allele origin: germline.
Comment: In summary, the available evidence is currently insufficient to determine the role of this variant in disease. Therefore, it has been classified as a Variant of Uncertain Significance. Algorithms developed to predict the effect of sequence changes on RNA splicing suggest that this variant may disrupt the consensus splice site. Advanced modeling of protein sequence and biophysical properties (such as structural, functional, and spatial information, amino acid conservation, physicochemical variation, residue mobility, and thermodynamic stability) performed at Invitae indicates that this missense variant is not expected to disrupt CFI protein function. This variant has not been reported in the literature in individuals affected with CFI-related conditions. This variant is present in population databases (no rsID available, gnomAD 0.009%). This sequence change replaces glycine, which is neutral and non-polar, with valine, which is neutral and non-polar, at codon 328 of the CFI protein (p.Gly328Val).

NM_000204.5(CFI):c.983G>T (p.Gly328Val)

Gene: CFI (complement factor I; minus strand). Cytogenetic location: 4q25.
Variant type: single nucleotide variant.
Coding change: c.983G>T on transcript NM_000204.5 (MANE Select); coding-DNA position 983, G replaced by T.
Protein change: p.Gly328Val; replaces glycine 328 with valine.
Molecular consequence: missense variant. On other transcripts: non-coding transcript variant (3).
Genome position (GRCh38, 1-based): chr4:109,749,560, C>A on the plus strand (G>T on the coding strand, the complement: CFI is on the minus strand). VCF-style: chr4-109749560-C-A. GRCh37 (hg19) VCF-style: chr4-110670716-C-A.
Other names: c.1007G>T, p.Gly336Val (NM_001318057.2, NM_001375278.1); c.962G>T, p.Gly321Val (NM_001331035.2, NM_001375280.1, NM_001375282.1); c.983G>T, p.Gly328Val (NM_001375279.1, NM_001375281.1); c.926G>T, p.Gly309Val (NM_001375283.1); c.374G>T, p.Gly125Val (NM_001375284.1); short protein forms G309V, G328V, G125V, G321V, G336V.
Identifiers: ClinVar variation 1371316 (VCV001371316.6), dbSNP rs1418847358, ClinGen allele CA357859160.